The following is an entry in ClinVar:

NM_001160148.2(DDHD1):c.991A>C (p.Lys331Gln)

Gene: DDHD1 (DDHD domain containing 1; minus strand). Cytogenetic location: 14q22.1.
Variant type: single nucleotide variant.
Coding change: c.991A>C on transcript NM_001160148.2 (MANE Select); coding-DNA position 991, A replaced by C.
Protein change: p.Lys331Gln; replaces lysine 331 with glutamine.
Molecular consequence: missense variant.
Genome position (GRCh38, 1-based): chr14:53,103,704, T>G on the plus strand (A>C on the coding strand, the complement: DDHD1 is on the minus strand). VCF-style: chr14-53103704-T-G. GRCh37 (hg19) VCF-style: chr14-53570422-T-G.
Other names: c.991A>C, p.Lys331Gln (NM_001160147.2, NM_030637.3); short protein forms K331Q.
Identifiers: ClinVar variation 2107802 (VCV002107802.4), dbSNP rs2503298344, ClinGen allele CA389770440.

ClinVar aggregate classification (germline): Uncertain significance (1 of 4 stars; one submission).

Conditions:
Hereditary spastic paraplegia 28. Also called: Spastic paraplegia 28, autosomal recessive. Identifiers: Orphanet 101008, MedGen C1836295, MONDO:0012256, OMIM 609340.

Submission:

Labcorp Genetics (formerly Invitae), Labcorp
Classification: Uncertain significance for Hereditary spastic paraplegia 28. Last evaluated: 2022-03-09. Review status: criteria provided, single submitter. Criteria: Invitae Variant Classification Sherloc (09022015). Collection method: clinical testing. Allele origin: germline.
Comment: This variant has not been reported in the literature in individuals affected with DDHD1-related conditions. This sequence change replaces lysine, which is basic and polar, with glutamine, which is neutral and polar, at codon 331 of the DDHD1 protein (p.Lys331Gln). This variant is not present in population databases (gnomAD no frequency). Algorithms developed to predict the effect of missense changes on protein structure and function are either unavailable or do not agree on the potential impact of this missense change (SIFT: "Tolerated"; PolyPhen-2: "Possibly Damaging"; Align-GVGD: "Class C0"). In summary, the available evidence is currently insufficient to determine the role of this variant in disease. Therefore, it has been classified as a Variant of Uncertain Significance.